The following is an entry in ClinVar:

ClinVar aggregate classification (germline): Uncertain significance (1 of 4 stars; one submission).

Allele frequency attached by ClinVar (database versions not stated): gnomAD exomes below 0.00001; TOPMed 0.00001; gnomAD 0.00001.
gnomAD v4.1: 3 of 1,435,752 alleles (0.00021%); highest among the groups gnomAD compares: African/African-American, 0.003%; no homozygotes.

Submission:

Labcorp Genetics (formerly Invitae), Labcorp
Classification: Uncertain significance. Last evaluated: 2025-12-19. Review status: criteria provided, single submitter. Criteria: Invitae Variant Classification Sherloc (09022015). Collection method: clinical testing. Allele origin: germline.
Comment: This sequence change replaces arginine, which is basic and polar, with proline, which is neutral and non-polar, at codon 11 of the AFG3L2 protein (p.Arg11Pro). This variant is not present in population databases (gnomAD no frequency). This variant has not been reported in the literature in individuals affected with AFG3L2-related conditions. ClinVar contains an entry for this variant (Variation ID: 2724362). Invitae Evidence Modeling of protein sequence and biophysical properties (such as structural, functional, and spatial information, amino acid conservation, physicochemical variation, residue mobility, and thermodynamic stability) has been performed for this missense variant. However, the output from this modeling did not meet the statistical confidence thresholds required to predict the impact of this variant on AFG3L2 protein function. In summary, the available evidence is currently insufficient to determine the role of this variant in disease. Therefore, it has been classified as a Variant of Uncertain Significance.

NM_006796.3(AFG3L2):c.32G>C (p.Arg11Pro)

Gene: AFG3L2 (AFG3 like matrix AAA peptidase subunit 2; minus strand). Cytogenetic location: 18p11.21.
Variant type: single nucleotide variant.
Coding change: c.32G>C on transcript NM_006796.3 (MANE Select); coding-DNA position 32, G replaced by C.
Protein change: p.Arg11Pro; replaces arginine 11 with proline.
Molecular consequence: missense variant.
Genome position (GRCh38, 1-based): chr18:12,377,051, C>G on the plus strand (G>C on the coding strand, the complement: AFG3L2 is on the minus strand). VCF-style: chr18-12377051-C-G. GRCh37 (hg19) VCF-style: chr18-12377050-C-G.
Other names: short protein forms R11P.
Identifiers: ClinVar variation 2724362 (VCV002724362.3), dbSNP rs1275518816, ClinGen allele CA401955608.
Genomic context (GRCh38, chr18:12,377,051, plus strand): 5'-CCCGGGCCCACGCCGCCAGGCACGAGGAGCTGCTGTAGGCCGCGGGGCCAGCAGCCGCCC[C>G]GGCCCCACAGCCGCAAACAGCGGTGCGCCATGGCCGCCGCCGTGGCCCTCTCGGCCCGGG-3'
Protein context (NP_006787.2, residues 1-21): MAHRCLRLWG[Arg11Pro]GGCWPRGLQQ